The following is an entry in ClinVar:

ClinVar aggregate classification (germline): Uncertain significance (1 of 4 stars; one submission).

Submission:

GeneDx
Classification: Uncertain significance. Last evaluated: 2023-10-29. Review status: criteria provided, single submitter. Criteria: GeneDx Variant Classification Process June 2021. Collection method: clinical testing. Allele origin: germline. Affected: yes.
Comment: Not observed at significant frequency in large population cohorts (gnomAD); In silico analysis supports that this missense variant has a deleterious effect on protein structure/function; Has not been previously published as pathogenic or benign to our knowledge

NM_001330288.2(SMARCC2):c.2118C>G (p.Ser706Arg)

Gene: SMARCC2 (SWI/SNF related BAF chromatin remodeling complex subunit C2; minus strand). Cytogenetic location: 12q13.2.
Variant type: single nucleotide variant.
Coding change: c.2118C>G on transcript NM_001330288.2 (MANE Select); coding-DNA position 2118, C replaced by G.
Protein change: p.Ser706Arg; replaces serine 706 with arginine.
Molecular consequence: missense variant.
Genome position (GRCh38, 1-based): chr12:56,171,746, G>C on the plus strand (C>G on the coding strand, the complement: SMARCC2 is on the minus strand). VCF-style: chr12-56171746-G-C. GRCh37 (hg19) VCF-style: chr12-56565530-G-C.
Other names: c.2118C>G, p.Ser706Arg (NM_001130420.3, NM_139067.4); c.2025C>G, p.Ser675Arg (NM_003075.5); short protein forms S675R, S706R.
Identifiers: ClinVar variation 3363256 (VCV003363256.1).